The following is an entry in ClinVar:

ClinVar aggregate classification (germline): Conflicting classifications of pathogenicity. Review status: criteria provided, conflicting classifications (1 of 4 stars). 2 submissions from 2 submitters: Likely pathogenic (1); Uncertain significance (1). Last evaluated 2023-11-06.

Conditions:
Ververi-Brady syndrome. Identifiers: MedGen C4693824, MONDO:0979877.

Submissions (2):

GeneDx
Classification: Likely pathogenic. Last evaluated: 2023-11-06. Review status: criteria provided, single submitter. Criteria: GeneDx Variant Classification Process June 2021. Collection method: clinical testing. Allele origin: germline.
Comment: Not observed at significant frequency in large population cohorts (gnomAD); In silico analysis supports that this missense variant does not alter protein structure/function; This variant is associated with the following publications: (PMID: 34859529, 37331002)

Institute of Human Genetics, University of Leipzig Medical Center
Classification: Uncertain significance for Ververi-Brady syndrome 1. Last evaluated: 2021-12-21. Review status: criteria provided, single submitter. Criteria: ACMG Guidelines, 2015. Collection method: research. Allele origin: de novo. Affected: yes.

Literature cited by the submitters: PubMed 34859529 (cited by Institute of Human Genetics, University of Leipzig Medical Center).

NM_198880.3(QRICH1):c.1304A>G (p.Gln435Arg)

Gene: QRICH1 (glutamine rich 1; minus strand). Cytogenetic location: 3p21.31.
Variant type: single nucleotide variant.
Coding change: c.1304A>G on transcript NM_198880.3 (MANE Select); coding-DNA position 1304, A replaced by G.
Protein change: p.Gln435Arg; replaces glutamine 435 with arginine.
Molecular consequence: missense variant.
Genome position (GRCh38, 1-based): chr3:49,056,896, T>C on the plus strand (A>G on the coding strand, the complement: QRICH1 is on the minus strand). VCF-style: chr3-49056896-T-C. GRCh37 (hg19) VCF-style: chr3-49094329-T-C.
Other names: c.1304A>G, p.Gln435Arg (NM_001320580.2, NM_001320581.2, NM_001320582.2 and 4 more transcripts); short protein forms Q435R.
Identifiers: ClinVar variation 1329919 (VCV001329919.4), dbSNP rs2106903188, ClinGen allele CA352666464.